The following is an entry in ClinVar:

ClinVar aggregate classification (germline): Likely benign (1 of 4 stars; one submission).

Submission:

CeGaT Center for Human Genetics Tuebingen
Classification: Likely benign. Last evaluated: 2026-05-01. Review status: criteria provided, single submitter. Criteria: CeGaT Center For Human Genetics Tuebingen Variant Classification Criteria Version 2. Collection method: clinical testing. Allele origin: germline. Affected: yes. Observed: 3 variant alleles.
Comment: ASH1L: PM2:Supporting, BP4, BP7

NM_018489.3(ASH1L):c.2724G>T (p.Leu908=)

Gene: ASH1L (ASH1 like histone lysine methyltransferase; minus strand). Cytogenetic location: 1q22.
Variant type: single nucleotide variant.
Coding change: c.2724G>T on transcript NM_018489.3 (MANE Select); coding-DNA position 2724, G replaced by T.
Protein change: p.Leu908=; no amino-acid change (leucine 908 retained).
Molecular consequence: synonymous variant.
Genome position (GRCh38, 1-based): chr1:155,480,146, C>A on the plus strand (G>T on the coding strand, the complement: ASH1L is on the minus strand). VCF-style: chr1-155480146-C-A. GRCh37 (hg19) VCF-style: chr1-155449937-C-A.
Other names: c.2724G>T, p.Leu908= (NM_001366177.2).
Identifiers: ClinVar variation 2639420 (VCV002639420.24), dbSNP rs1460055207, ClinGen allele CA421249581.